The following is an entry in ClinVar:

ClinVar aggregate classification (germline): other (0 of 4 stars; one submission).

Conditions:
Familial colorectal cancer. Identifiers: MedGen CN280943, MONDO:0023113. Disease mechanism: loss of function.

Allele frequency attached by ClinVar (database versions not stated): gnomAD 0.38727 and 0.40022; TOPMed 0.40458; 1000 Genomes Project 30x 0.43098; 1000 Genomes Project 0.43650.
gnomAD v4.1: 60,927 of 151,778 alleles (40%); highest among the groups gnomAD compares: East Asian, 67%; 14,727 homozygotes.

Submission:

Systems Biology Platform Zhejiang California International NanoSystems Institute
Classification: other for Familial colorectal cancer. Review status: no assertion criteria provided. Collection method: not provided. Allele origin: unknown.
ClinVar note: Converted during submission from cancer to other.

NM_000038.6(APC):c.-19+6260T>G

Gene: APC (APC regulator of WNT signaling pathway; plus strand). Cytogenetic location: 5q22.2.
Variant type: single nucleotide variant.
Coding change: c.-19+6260T>G on transcript NM_000038.6 (MANE Select); 6260 bases into the intron after 19 bases upstream of the start codon, T replaced by G.
Molecular consequence: intron variant.
Genome position (GRCh38, 1-based): chr5:112,744,185, T>G. VCF-style: chr5-112744185-T-G. GRCh37 (hg19) VCF-style: chr5-112079882-T-G.
Other names: c.-18-10688T>G (NM_001354895.2); c.166-22141T>G (NM_001354897.2, NM_001354902.2, NM_001127511.3); c.-19+5725T>G (NM_001127510.3); c.60+5725T>G (NM_001354898.2, NM_001354904.2); c.-1054+6260T>G (NM_001354906.2); c.-19+6260T>G (NM_001354896.2, NM_001354903.2, NM_001354899.2); c.-43+6260T>G (NM_001354900.2, NM_001354901.2, NM_001354905.2).
Identifiers: ClinVar variation 82766 (VCV000082766.2), dbSNP rs10071425, ClinGen allele CA006904.